The following is an entry in ClinVar:

ClinVar aggregate classification (germline): Uncertain significance. Review status: criteria provided, multiple submitters, no conflicts (2 of 4 stars). 2 submissions from 2 submitters: Uncertain significance (2). Last evaluated 2024-06-07.

Conditions:
Inborn genetic diseases. Identifiers: MedGen C0950123, MeSH D030342.

Submissions (2):

GeneDx
Classification: Uncertain significance. Last evaluated: 2024-06-07. Review status: criteria provided, single submitter. Criteria: GeneDx Variant Classification Process June 2021. Collection method: clinical testing. Allele origin: germline. Affected: yes.
Comment: Not observed at significant frequency in large population cohorts (gnomAD); In silico analysis supports that this missense variant does not alter protein structure/function; Has not been previously published as pathogenic or benign to our knowledge

Ambry Genetics
Classification: Uncertain significance for Inborn genetic diseases. Last evaluated: 2024-05-08. Review status: criteria provided, single submitter. Criteria: Ambry Variant Classification Scheme 2023. Collection method: clinical testing. Allele origin: germline.

NM_001698.3(AUH):c.366G>T (p.Lys122Asn)

Gene: AUH (AU RNA binding methylglutaconyl-CoA hydratase; minus strand). Cytogenetic location: 9q22.31.
Variant type: single nucleotide variant.
Coding change: c.366G>T on transcript NM_001698.3 (MANE Select); coding-DNA position 366, G replaced by T.
Protein change: p.Lys122Asn; replaces lysine 122 with asparagine.
Molecular consequence: missense variant.
Genome position (GRCh38, 1-based): chr9:91,355,935, C>A on the plus strand (G>T on the coding strand, the complement: AUH is on the minus strand). VCF-style: chr9-91355935-C-A. GRCh37 (hg19) VCF-style: chr9-94118217-C-A.
Other names: c.366G>T, p.Lys122Asn (NM_001306190.2); c.39G>T, p.Lys13Asn (NM_001351431.2, NM_001351432.2, NM_001351433.2); short protein forms K13N, K122N.
Identifiers: ClinVar variation 3333476 (VCV003333476.2).